The following is an entry in ClinVar:

ClinVar aggregate classification (germline): Uncertain significance. Review status: criteria provided, multiple submitters, no conflicts (2 of 4 stars). 2 submissions from 2 submitters: Uncertain significance (2). Last evaluated 2025-08-26.

Conditions:
Familial cancer of breast. Also called: BREAST CANCER, FAMILIAL; Hereditary breast cancer; hereditary breast carcinoma. Identifiers: Orphanet 227535, MedGen C0346153, MONDO:0016419, OMIM 114480. Disease mechanism: loss of function.

Allele frequency attached by ClinVar (database versions not stated): TOPMed below 0.00001; ExAC 0.00001; gnomAD 0.00001; gnomAD exomes 0.00001.

Submissions (2):

Ambry Genetics
Classification: Uncertain significance. Last evaluated: 2025-08-26. Review status: criteria provided, single submitter. Criteria: Ambry Variant Classification Scheme 2023. Collection method: clinical testing. Allele origin: germline.

Neuberg Centre For Genomic Medicine, NCGM
Classification: Uncertain significance for Familial cancer of breast. Review status: criteria provided, single submitter. Criteria: ACMG Guidelines, 2015. Collection method: clinical testing. Allele origin: germline. Inheritance: Autosomal dominant inheritance. Affected: yes.
Comment: The missense variantc.1559C>T (p.Ser520Leu) in RAD54L gene has not been reported previously as a pathogenic variant nor as a benign variant, to our knowledge. The p.Ser520Leu variant is novel (not in any individuals) in 1000 Genomes and allele frequency of 0.00001066 is reported in gnomAD. The amino acid Ser at position 520 is changed to a Leu changing protein sequence and it might alter its composition and physico-chemical properties. The variant is predicted to be damaging by both SIFT and PolyPhen2. The residue is conserved across species. The amino acid change p.Ser520Leu in RAD54L is predicted as conserved by GERP++ and PhyloP across 100 vertebrates. For these reasons, this variant has been classified as Uncertain Significance.

NM_003579.4(RAD54L):c.1559C>T (p.Ser520Leu)

Gene: RAD54L (RAD54 like; plus strand). Cytogenetic location: 1p34.1.
Variant type: single nucleotide variant.
Coding change: c.1559C>T on transcript NM_003579.4 (MANE Select); coding-DNA position 1559, C replaced by T.
Protein change: p.Ser520Leu; replaces serine 520 with leucine.
Molecular consequence: missense variant.
Genome position (GRCh38, 1-based): chr1:46,273,696, C>T. VCF-style: chr1-46273696-C-T. GRCh37 (hg19) VCF-style: chr1-46739368-C-T.
Other names: c.1559C>T, p.Ser520Leu (NM_001142548.2); c.1019C>T, p.Ser340Leu (NM_001370766.1); short protein forms S520L, S340L.
Identifiers: ClinVar variation 1775211 (VCV001775211.3), dbSNP rs759993383, ClinGen allele CA834645.